The following is an entry in ClinVar:

ClinVar aggregate classification (germline): Uncertain significance (1 of 4 stars; one submission).

Conditions:
Early Myoclonic Encephalopathy. Identifiers: MedGen C0270855.

Submission:

Labcorp Genetics (formerly Invitae), Labcorp
Classification: Uncertain significance for Early Myoclonic Encephalopathy. Last evaluated: 2020-02-22. Review status: criteria provided, single submitter. Criteria: Invitae Variant Classification Sherloc (09022015). Collection method: clinical testing. Allele origin: germline.
Comment: This variant, c.4613_4623delinsTATGT, is a complex sequence change that results in the deletion of 4 amino acids and insertion of 2 amino acids of the JMJD1C protein (p.Ala1538_Thr1541delinsValCys). This variant is not present in population databases (ExAC no frequency). This variant has not been reported in the literature in individuals with JMJD1C-related disease. Experimental studies and prediction algorithms are not available for this variant, and the functional significance of the affected amino acid(s) is currently unknown. In summary, the available evidence is currently insufficient to determine the role of this variant in disease. Therefore, it has been classified as a Variant of Uncertain Significance.

NM_032776.3(JMJD1C):c.4613_4623delinsTATGT (p.Ala1538_Thr1541delinsValCys)

Gene: JMJD1C (jumonji domain containing 1C; minus strand). Cytogenetic location: 10q21.3.
Variant type: Indel.
Coding change: c.4613_4623delinsTATGT on transcript NM_032776.3 (MANE Select); coding-DNA positions 4613 to 4623, CTTCCCAGACA replaced by TATGT.
Protein change: p.Ala1538_Thr1541delinsValCys.
Molecular consequence: inframe indel. On other transcripts: non-coding transcript variant (1).
Genome position (GRCh38, 1-based): chr10:63,207,046-63,207,056, TGTCTGGGAAG replaced by ACATA on the plus strand (CTTCCCAGACA replaced by TATGT on the coding strand, the reverse complement: JMJD1C is on the minus strand). VCF-style: chr10-63207046-TGTCTGGGAAG-ACATA. GRCh37 (hg19) VCF-style: chr10-64966806-TGTCTGGGAAG-ACATA.
Other names: c.4067_4077delinsTATGT, p.Ala1356_Thr1359delinsValCys (NM_001282948.2, NM_001318154.2); c.3749_3759delinsTATGT, p.Ala1250_Thr1253delinsValCys (NM_001318153.2); c.4499_4509delinsTATGT, p.Ala1500_Thr1503delinsValCys (NM_001322252.2); c.3956_3966delinsTATGT, p.Ala1319_Thr1322delinsValCys (NM_001322254.2, NM_001322258.2).
Identifiers: ClinVar variation 641913 (VCV000641913.4), dbSNP rs1589146405, ClinGen allele CA915945934.
Genomic context (GRCh38, chr10:63,207,046, plus strand): 5'-TTCTTCTGAGTGTCTGGTGAGCCAGGCCTTTTTCAGTTTAGTATGGTAGTTTGGTTGACT[TGTCTGGGAAG>ACATA]CTTGCCCATTTCCTACAGAGTTTGCTTTGTTAATTGTACTACAGATTACAGTGCTATCCA-3'